The following is an entry in ClinVar:

NM_002878.4(RAD51D):c.834G>A (p.Leu278=)

Genes: RAD51D (RAD51 paralog D; minus strand), RAD51L3-RFFL (RAD51L3-RFFL readthrough; minus strand). Cytogenetic location: 17q12.
Variant type: single nucleotide variant.
Coding change: c.834G>A on transcript NM_002878.4 (MANE Select); coding-DNA position 834, G replaced by A.
Protein change: p.Leu278=; no amino-acid change (leucine 278 retained).
Molecular consequence: synonymous variant. On other transcripts: non-coding transcript variant (3).
Genome position (GRCh38, 1-based): chr17:35,101,270, C>T on the plus strand (G>A on the coding strand, the complement: RAD51D is on the minus strand). VCF-style: chr17-35101270-C-T. GRCh37 (hg19) VCF-style: chr17-33428289-C-T.
Other names: c.894G>A, p.Leu298= (NM_001142571.2); c.498G>A, p.Leu166= (NM_133629.3).
Identifiers: ClinVar variation 229657 (VCV000229657.17), dbSNP rs876658123, ClinGen allele CA10580442.

ClinVar aggregate classification (germline): Benign/Likely benign. Review status: criteria provided, multiple submitters, no conflicts (2 of 4 stars). 5 submissions from 5 submitters: Benign (1); Likely benign (4). Last evaluated 2025-05-19.

Conditions:
Hereditary cancer-predisposing syndrome. Also called: Hereditary neoplastic syndrome; Hereditary Cancer Syndrome; Neoplastic Syndromes, Hereditary; Tumor predisposition. Identifiers: Orphanet 140162, MedGen C0027672, MeSH D009386, MONDO:0015356.
Breast-ovarian cancer, familial, susceptibility to, 4. Identifiers: Orphanet 145, MedGen C3280345, MONDO:0013669, OMIM 614291.

Allele frequency attached by ClinVar (database versions not stated): gnomAD exomes below 0.00001.
gnomAD v4.1: 2 of 1,614,188 alleles (0.00012%); highest among the groups gnomAD compares: Non-Finnish European, 0.00017%; no homozygotes.

Submissions (5):

Labcorp Genetics (formerly Invitae), Labcorp
Classification: Likely benign for Breast-ovarian cancer, familial, susceptibility to, 4. Last evaluated: 2025-05-19. Review status: criteria provided, single submitter. Criteria: Invitae Variant Classification Sherloc (09022015). Collection method: clinical testing. Allele origin: germline.

Myriad Genetics, Inc.
Classification: Benign for Breast-ovarian cancer, familial, susceptibility to, 4. Last evaluated: 2025-02-24. Review status: criteria provided, single submitter. Criteria: Myriad Autosomal Dominant, Autosomal Recessive and X-Linked Classification Criteria (2023). Collection method: clinical testing. Allele origin: unknown.
Comment: This variant is considered benign. This variant is a silent/synonymous amino acid change and it is not expected to impact splicing.

Women's Health and Genetics/Laboratory Corporation of America, LabCorp
Classification: Likely benign. Last evaluated: 2024-08-23. Review status: criteria provided, single submitter. Criteria: LabCorp Variant Classification Summary - May 2015. Collection method: clinical testing. Allele origin: germline.

GeneDx
Classification: Likely benign. Last evaluated: 2019-05-31. Review status: criteria provided, single submitter. Criteria: GeneDx Variant Classification Process June 2021. Collection method: clinical testing. Allele origin: germline. Affected: yes.

Ambry Genetics
Classification: Likely benign for Hereditary cancer-predisposing syndrome. Last evaluated: 2016-08-02. Review status: criteria provided, single submitter. Criteria: Ambry Variant Classification Scheme 2023. Collection method: clinical testing. Allele origin: germline.